The following is an entry in ClinVar:

ClinVar aggregate classification (germline): Benign/Likely benign. Review status: criteria provided, multiple submitters, no conflicts (2 of 4 stars). 6 submissions from 6 submitters: Benign (2); Likely benign (4). Last evaluated 2025-11-03.

Conditions:
Combined oxidative phosphorylation defect type 8. Also called: CARDIOMYOPATHY, HYPERTROPHIC MITOCHONDRIAL, FATAL INFANTILE. Identifiers: Orphanet 319504, MedGen C4518839, MONDO:0013570, OMIM 614096.

Allele frequency attached by ClinVar (database versions not stated): gnomAD exomes 0.00074; ExAC 0.00078; 1000 Genomes Project 0.00120; 1000 Genomes Project 30x 0.00125; TOPMed 0.00225; gnomAD 0.00249; ESP Exome Variant Server 0.00277.
gnomAD v4.1: 799 of 1,614,138 alleles (0.05%); highest among the groups gnomAD compares: African/African-American, 0.77%; 2 homozygotes.

Submissions (6):

Labcorp Genetics (formerly Invitae), Labcorp
Classification: Benign. Last evaluated: 2025-11-03. Review status: criteria provided, single submitter. Criteria: Invitae Variant Classification Sherloc (09022015). Collection method: clinical testing. Allele origin: germline.

Molecular Diagnostic Laboratory for Inherited Cardiovascular Disease, Montreal Heart Institute
Classification: Likely benign. Last evaluated: 2025-04-09. Review status: criteria provided, single submitter. Criteria: ACMG Guidelines, 2015. Collection method: clinical testing. Allele origin: germline. Affected: no.
Comment: BS1;BP6;BP7

Blueprint Genetics
Classification: Likely benign. Last evaluated: 2024-11-11. Review status: criteria provided, single submitter. Criteria: ACMG Guidelines, 2015. Collection method: clinical testing. Allele origin: germline.

Illumina Laboratory Services, Illumina
Classification: Likely benign for Combined oxidative phosphorylation defect type 8. Last evaluated: 2018-01-13. Review status: criteria provided, single submitter. Criteria: ICSL Variant Classification Criteria 13 December 2019. Collection method: clinical testing. Allele origin: germline.
Comment: This variant was observed in the ICSL laboratory as part of a predisposition screen in an ostensibly healthy population. It had not been previously curated by ICSL or reported in the Human Gene Mutation Database (HGMD: prior to June 1st, 2018), and was therefore a candidate for classification through an automated scoring system. Utilizing variant allele frequency, disease prevalence and penetrance estimates, and inheritance mode, an automated score was calculated to assess if this variant is too frequent to cause the disease. Based on the score and internal cut-off values, a variant classified as likely benign is not then subjected to further curation. The score for this variant resulted in a classification of likely benign for this disease.

GeneDx
Classification: Benign. Last evaluated: 2014-04-25. Review status: criteria provided, single submitter. Criteria: GeneDx Variant Classification (06012015). Collection method: clinical testing. Allele origin: germline. Affected: yes.
Comment: This variant is considered likely benign or benign based on one or more of the following criteria: it is a conservative change, it occurs at a poorly conserved position in the protein, it is predicted to be benign by multiple in silico algorithms, and/or has population frequency not consistent with disease.

Breakthrough Genomics
Classification: Likely benign. Review status: criteria provided, single submitter. Criteria: ACMG Guidelines, 2015. Collection method: not provided. Allele origin: germline. Inheritance: Autosomal recessive inheritance. Affected: yes.

NM_020745.4(AARS2):c.1398C>T (p.Ser466=)

Gene: AARS2 (alanyl-tRNA synthetase 2, mitochondrial; minus strand). Cytogenetic location: 6p21.1.
Variant type: single nucleotide variant.
Coding change: c.1398C>T on transcript NM_020745.4 (MANE Select); coding-DNA position 1398, C replaced by T.
Protein change: p.Ser466=; no amino-acid change (serine 466 retained).
Molecular consequence: synonymous variant.
Genome position (GRCh38, 1-based): chr6:44,305,689, G>A on the plus strand (C>T on the coding strand, the complement: AARS2 is on the minus strand). VCF-style: chr6-44305689-G-A. GRCh37 (hg19) VCF-style: chr6-44273426-G-A.
Other names: p.S466S:TCC>TCT.
Identifiers: ClinVar variation 136229 (VCV000136229.16), dbSNP rs146711725, ClinGen allele CA289205.